The following is an entry in ClinVar:

NM_004706.4(ARHGEF1):c.2342G>A (p.Arg781Gln)

Gene: ARHGEF1 (Rho guanine nucleotide exchange factor 1; plus strand). Cytogenetic location: 19q13.2.
Variant type: single nucleotide variant.
Coding change: c.2342G>A on transcript NM_004706.4 (MANE Select); coding-DNA position 2342, G replaced by A.
Protein change: p.Arg781Gln; replaces arginine 781 with glutamine.
Molecular consequence: missense variant. On other transcripts: non-coding transcript variant (2).
Genome position (GRCh38, 1-based): chr19:41,905,765, G>A. VCF-style: chr19-41905765-G-A. GRCh37 (hg19) VCF-style: chr19-42409917-G-A.
Other names: c.2510G>A, p.Arg837Gln (NM_001396000.1); c.2243G>A, p.Arg748Gln (NM_001396002.1, NM_001396004.1, NM_198977.2); c.2342G>A, p.Arg781Gln (NM_001396003.1, NM_001396006.1); c.2387G>A, p.Arg796Gln (NM_199002.2); short protein forms R837Q, R748Q, R781Q, R796Q.
Identifiers: ClinVar variation 4707692 (VCV004707692.1).

ClinVar aggregate classification (germline): Uncertain significance (1 of 4 stars; one submission).

gnomAD v4.1: 7 of 1,613,872 alleles (0.00043%); highest among the groups gnomAD compares: African/African-American, 0.0013%; no homozygotes.

Submission:

Labcorp Genetics (formerly Invitae), Labcorp
Classification: Uncertain significance. Last evaluated: 2025-08-25. Review status: criteria provided, single submitter. Criteria: Invitae Variant Classification Sherloc (09022015). Collection method: clinical testing. Allele origin: germline.
Comment: This sequence change replaces arginine, which is basic and polar, with glutamine, which is neutral and polar, at codon 796 of the ARHGEF1 protein (p.Arg796Gln). This variant is present in population databases (no rsID available, gnomAD 0.0009%). This variant has not been reported in the literature in individuals affected with ARHGEF1-related conditions. An algorithm developed to predict the effect of missense changes on protein structure and function (PolyPhen-2) suggests that this variant is likely to be disruptive. In summary, the available evidence is currently insufficient to determine the role of this variant in disease. Therefore, it has been classified as a Variant of Uncertain Significance.